The following is an entry in ClinVar:

ClinVar aggregate classification (germline): Uncertain significance (1 of 4 stars; one submission).

Conditions:
Progressive myoclonic epilepsy. Also called: Familial progressive myoclonic epilepsy; Myoclonic Epilepsies, Progressive; Myoclonus epilepsy; Progressive myoclonus epilepsy. Identifiers: Orphanet 308, Orphanet 98261, MedGen C0751778, MONDO:0020074.

Allele frequency attached by ClinVar (database versions not stated): TOPMed below 0.00001; ExAC 0.00001; gnomAD exomes 0.00001.

Submission:

Labcorp Genetics (formerly Invitae), Labcorp
Classification: Uncertain significance for Progressive myoclonic epilepsy. Last evaluated: 2021-10-29. Review status: criteria provided, single submitter. Criteria: Invitae Variant Classification Sherloc (09022015). Collection method: clinical testing. Allele origin: germline.
Comment: In summary, the available evidence is currently insufficient to determine the role of this variant in disease. Therefore, it has been classified as a Variant of Uncertain Significance. Algorithms developed to predict the effect of missense changes on protein structure and function (SIFT, PolyPhen-2, Align-GVGD) all suggest that this variant is likely to be disruptive. This variant has not been reported in the literature in individuals affected with CSTB-related conditions. This variant is present in population databases (rs774291632, gnomAD 0.006%). This sequence change replaces phenylalanine, which is neutral and non-polar, with valine, which is neutral and non-polar, at codon 54 of the CSTB protein (p.Phe54Val).

NM_000100.4(CSTB):c.160T>G (p.Phe54Val)

Gene: CSTB (cystatin B; minus strand). Cytogenetic location: 21q22.3.
Variant type: single nucleotide variant.
Coding change: c.160T>G on transcript NM_000100.4 (MANE Select); coding-DNA position 160, T replaced by G.
Protein change: p.Phe54Val; replaces phenylalanine 54 with valine.
Molecular consequence: missense variant.
Genome position (GRCh38, 1-based): chr21:43,774,666, A>C on the plus strand (T>G on the coding strand, the complement: CSTB is on the minus strand). VCF-style: chr21-43774666-A-C. GRCh37 (hg19) VCF-style: chr21-45194547-A-C.
Other names: short protein forms F54V.
Identifiers: ClinVar variation 1347664 (VCV001347664.6), dbSNP rs774291632, ClinGen allele CA10048923.